The following is an entry in ClinVar:

ClinVar aggregate classification (germline): Uncertain significance. Review status: criteria provided, multiple submitters, no conflicts (2 of 4 stars). 3 submissions from 3 submitters: Uncertain significance (3). Last evaluated 2025-02-07.

Conditions:
Inborn genetic diseases. Identifiers: MedGen C0950123, MeSH D030342.

Allele frequency attached by ClinVar (database versions not stated): TOPMed 0.00001.
gnomAD v4.1: 11 of 1,202,692 alleles (0.00091%); highest among the groups gnomAD compares: Non-Finnish European, 0.0011%; no homozygotes.

Submissions (3):

Ambry Genetics
Classification: Uncertain significance for Inborn genetic diseases. Last evaluated: 2025-02-07. Review status: criteria provided, single submitter. Criteria: Ambry Variant Classification Scheme 2023. Collection method: clinical testing. Allele origin: germline.

Labcorp Genetics (formerly Invitae), Labcorp
Classification: Uncertain significance. Last evaluated: 2024-07-17. Review status: criteria provided, single submitter. Criteria: Invitae Variant Classification Sherloc (09022015). Collection method: clinical testing. Allele origin: germline.
Comment: This sequence change replaces proline, which is neutral and non-polar, with serine, which is neutral and polar, at codon 921 of the GRIN2D protein (p.Pro921Ser). This variant is not present in population databases (gnomAD no frequency). This variant has not been reported in the literature in individuals affected with GRIN2D-related conditions. ClinVar contains an entry for this variant (Variation ID: 1723281). Advanced modeling of protein sequence and biophysical properties (such as structural, functional, and spatial information, amino acid conservation, physicochemical variation, residue mobility, and thermodynamic stability) performed at Invitae indicates that this missense variant is not expected to disrupt GRIN2D protein function with a negative predictive value of 95%. In summary, the available evidence is currently insufficient to determine the role of this variant in disease. Therefore, it has been classified as a Variant of Uncertain Significance.

Women's Health and Genetics/Laboratory Corporation of America, LabCorp
Classification: Uncertain significance. Last evaluated: 2022-10-11. Review status: criteria provided, single submitter. Criteria: LabCorp Variant Classification Summary - May 2015. Collection method: clinical testing. Allele origin: germline.
Comment: Variant summary: GRIN2D c.2761C>T (p.Pro921Ser) results in a non-conservative amino acid change in the encoded protein sequence. Four of five in-silico tools predict a benign effect of the variant on protein function. The variant was absent in 2996 control chromosomes (gnomAD). The available data on variant occurrences in the general population are insufficient to allow any conclusion about variant significance. To our knowledge, no occurrence of c.2761C>T in individuals affected with Early Infantile Epileptic Encephalopathy and no experimental evidence demonstrating its impact on protein function have been reported. No clinical diagnostic laboratories have submitted clinical-significance assessments for this variant to ClinVar after 2014. Based on the evidence outlined above, the variant was classified as uncertain significance.

NM_000836.4(GRIN2D):c.2761C>T (p.Pro921Ser)

Gene: GRIN2D (glutamate ionotropic receptor NMDA type subunit 2D; plus strand). Cytogenetic location: 19q13.33.
Variant type: single nucleotide variant.
Coding change: c.2761C>T on transcript NM_000836.4 (MANE Select); coding-DNA position 2761, C replaced by T.
Protein change: p.Pro921Ser; replaces proline 921 with serine.
Molecular consequence: missense variant.
Genome position (GRCh38, 1-based): chr19:48,442,687, C>T. VCF-style: chr19-48442687-C-T. GRCh37 (hg19) VCF-style: chr19-48945944-C-T.
Other names: short protein forms P921S.
Identifiers: ClinVar variation 1723281 (VCV001723281.5), dbSNP rs1162361078, ClinGen allele CA406673516.